The following is an entry in ClinVar:

NM_001558.4(IL10RA):c.1181_1237del (p.Asn394_Ala413delinsThr)

Gene: IL10RA (interleukin 10 receptor subunit alpha; plus strand). Cytogenetic location: 11q23.3.
Variant type: Deletion.
Coding change: c.1181_1237del on transcript NM_001558.4 (MANE Select); coding-DNA positions 1181 to 1237, 57 bases deleted.
Protein change: p.Asn394_Ala413delinsThr.
Molecular consequence: inframe indel. On other transcripts: non-coding transcript variant (1).
Genome position (GRCh38, 1-based): chr11:117,999,085-117,999,141, 57 bases deleted. GRCh37 (hg19): chr11:117,869,800-117,869,856.
Identifiers: ClinVar variation 1390648 (VCV001390648.7), dbSNP rs2058075257, ClinGen allele CA942692422.

ClinVar aggregate classification (germline): Uncertain significance (1 of 4 stars; one submission).

Conditions:
Inflammatory bowel disease 28. Also called: Inflammatory bowel disease 28, early onset, autosomal recessive. Identifiers: Orphanet 238569, MedGen C2751053, MONDO:0013153, OMIM 613148.

Allele frequency attached by ClinVar (database versions not stated): gnomAD exomes 0.00001; gnomAD 0.00002.

Submission:

Labcorp Genetics (formerly Invitae), Labcorp
Classification: Uncertain significance for Inflammatory bowel disease 28. Last evaluated: 2021-05-25. Review status: criteria provided, single submitter. Criteria: Invitae Variant Classification Sherloc (09022015). Collection method: clinical testing. Allele origin: germline.
Comment: In summary, the available evidence is currently insufficient to determine the role of this variant in disease. Therefore, it has been classified as a Variant of Uncertain Significance. Experimental studies and prediction algorithms are not available or were not evaluated, and the functional significance of this variant is currently unknown. This variant has not been reported in the literature in individuals with IL10RA-related conditions. This variant is not present in population databases (ExAC no frequency). This variant, c.1181_1237del, results in the deletion of 20 amino acid(s) and insertion of 1 amino acid in the IL10RA protein (p.Asn394_Ala413delinsThr), but otherwise preserves the integrity of the reading frame.